The following is an entry in ClinVar:

NC_000009.12:g.105652073T>C

Gene: FKTN (fukutin; plus strand). Cytogenetic location: 9q31.2.
Variant type: single nucleotide variant.
Genome position: GRCh38 VCF-style: chr9-105652073-T-C. GRCh37 (hg19) VCF-style: chr9-108414354-T-C.
Identifiers: ClinVar variation 4822316 (VCV004822316.4).

ClinVar aggregate classification (germline): Benign (1 of 4 stars; one submission).

Submission:

CeGaT Center for Human Genetics Tuebingen
Classification: Benign. Last evaluated: 2026-01-01. Review status: criteria provided, single submitter. Criteria: CeGaT Center For Human Genetics Tuebingen Variant Classification Criteria Version 2. Collection method: clinical testing. Allele origin: germline. Affected: yes. Observed: 1 variant allele.
Comment: FKTN: BS1, BS2